The following is an entry in ClinVar:

NM_001035.3(RYR2):c.5499C>A (p.Ile1833=)

Gene: RYR2 (ryanodine receptor 2; plus strand). Cytogenetic location: 1q43.
Variant type: single nucleotide variant.
Coding change: c.5499C>A on transcript NM_001035.3 (MANE Select); coding-DNA position 5499, C replaced by A.
Protein change: p.Ile1833=; no amino-acid change (isoleucine 1833 retained).
Molecular consequence: synonymous variant.
Genome position (GRCh38, 1-based): chr1:237,614,627, C>A. VCF-style: chr1-237614627-C-A. GRCh37 (hg19) VCF-style: chr1-237777927-C-A.
Other names: c.5499C>A, p.Ile1833= (LRG_402t1).
Identifiers: ClinVar variation 629445 (VCV000629445.7), dbSNP rs974906491, ClinGen allele CA39828526.

ClinVar aggregate classification (germline): Likely benign. Review status: criteria provided, multiple submitters, no conflicts (2 of 4 stars). 4 submissions from 4 submitters: Likely benign (4). Last evaluated 2025-10-05.

Conditions:
Cardiovascular phenotype. Identifiers: MedGen CN230736.
Catecholaminergic polymorphic ventricular tachycardia (CVPT). Also called: Catecholamine-induced polymorphic ventricular tachycardia. Identifiers: Orphanet 3286, MedGen C5574922, MONDO:0017990.
Cardiomyopathy (CMYO). Also called: Cardiomyopathies. Identifiers: Orphanet 167848, MedGen C0878544, MONDO:0004994, HP:0001638. Inheritance: Various modes of inheritance.
Catecholaminergic polymorphic ventricular tachycardia 1. Also called: RYR2-Related Catecholaminergic Polymorphic Ventricular Tachycardia; VENTRICULAR TACHYCARDIA, CATECHOLAMINERGIC POLYMORPHIC, 1, WITH OR WITHOUT ATRIAL DYSFUNCTION AND/OR DILATED CARDIOMYOPATHY; VENTRICULAR TACHYCARDIA, STRESS-INDUCED POLYMORPHIC 1. Identifiers: Orphanet 3286, MedGen C1631597, MONDO:0011484, OMIM 604772.

Allele frequency attached by ClinVar (database versions not stated): TOPMed below 0.00001; gnomAD 0.00001; gnomAD exomes 0.00001.
gnomAD v4.1: 4 of 1,613,918 alleles (0.00025%); highest among the groups gnomAD compares: Non-Finnish European, 0.00034%; no homozygotes.

Submissions (4):

Ambry Genetics
Classification: Likely benign for Cardiovascular phenotype. Last evaluated: 2025-10-05. Review status: criteria provided, single submitter. Criteria: Ambry Variant Classification Scheme 2023. Collection method: clinical testing. Allele origin: germline.

All of Us Research Program, National Institutes of Health
Classification: Likely benign for Catecholaminergic polymorphic ventricular tachycardia. Last evaluated: 2023-12-01. Review status: criteria provided, single submitter. Criteria: ACMG Guidelines, 2015. Collection method: clinical testing. Allele origin: germline. Inheritance: Autosomal dominant inheritance. Observed: 1 variant allele, 1 heterozygote.
Comment: This study involves interpretation of variants in research participants for the purpose of population health screening. Participant phenotype was not available at the time of variant classification. Additional details can be found in publication PMID: 35346344, PMCID: PMC8962531

Labcorp Genetics (formerly Invitae), Labcorp
Classification: Likely benign for Catecholaminergic polymorphic ventricular tachycardia 1. Last evaluated: 2022-12-07. Review status: criteria provided, single submitter. Criteria: Invitae Variant Classification Sherloc (09022015). Collection method: clinical testing. Allele origin: germline.

Color Diagnostics, LLC DBA Color Health
Classification: Likely benign for Cardiomyopathy. Last evaluated: 2018-10-02. Review status: criteria provided, single submitter. Criteria: ACMG Guidelines, 2015. Collection method: clinical testing. Allele origin: germline.